The following is an entry in ClinVar:

ClinVar aggregate classification (germline): Uncertain significance (1 of 4 stars; one submission).

Conditions:
UBE3A-related disorder. Also called: UBE3A-related condition.

Submission:

PreventionGenetics, part of Exact Sciences
Classification: Uncertain significance for UBE3A-related condition. Last evaluated: 2023-02-21. Review status: criteria provided, single submitter. Criteria: ACMG Guidelines, 2015. Collection method: clinical testing. Allele origin: germline.
Comment: The UBE3A c.1826A>C variant is predicted to result in the amino acid substitution p.His609Pro. To our knowledge, this variant has not been reported in the literature or in a large population database, indicating this variant is rare. At this time, the clinical significance of this variant is uncertain due to the absence of conclusive functional and genetic evidence.

NM_130839.5(UBE3A):c.1886A>C (p.His629Pro)

Genes: SNHG14 (small nucleolar RNA host gene 14; plus strand), UBE3A (ubiquitin protein ligase E3A; minus strand). Cytogenetic location: 15q11.2.
Variant type: single nucleotide variant.
Coding change: c.1886A>C on transcript NM_130839.5 (MANE Select); coding-DNA position 1886, A replaced by C.
Protein change: p.His629Pro; replaces histidine 629 with proline.
Molecular consequence: missense variant. On other transcripts: non-coding transcript variant (1).
Genome position (GRCh38, 1-based): chr15:25,356,764, T>G on the plus strand (A>C on the coding strand, the complement: UBE3A is on the minus strand). VCF-style: chr15-25356764-T-G. GRCh37 (hg19) VCF-style: chr15-25601911-T-G.
Other names: c.1895A>C, p.His632Pro (NM_000462.5); c.1886A>C, p.His629Pro (NM_001354505.1, NM_001354538.2, NM_001354545.2); c.1826A>C, p.His609Pro (NM_001354506.2, NM_001354507.2, NM_001354508.2 and 17 more transcripts); c.1709A>C, p.His570Pro (NM_001354546.2); c.635A>C, p.His212Pro (NM_001354550.2); c.575A>C, p.His192Pro (NM_001354551.2); short protein forms H192P, H212P, H570P, H609P, H629P, H632P.
Identifiers: ClinVar variation 2630375 (VCV002630375.1), dbSNP rs2552187382, ClinGen allele CA391352540.